The following is an entry in ClinVar:

NM_001077350.3(NPRL3):c.1669G>A (p.Glu557Lys)

Gene: NPRL3 (NPR3 like, GATOR1 complex subunit; minus strand). Cytogenetic location: 16p13.3.
Variant type: single nucleotide variant.
Coding change: c.1669G>A on transcript NM_001077350.3 (MANE Select); coding-DNA position 1669, G replaced by A.
Protein change: p.Glu557Lys; replaces glutamic acid 557 with lysine.
Molecular consequence: missense variant.
Genome position (GRCh38, 1-based): chr16:86,746, C>T on the plus strand (G>A on the coding strand, the complement: NPRL3 is on the minus strand). VCF-style: chr16-86746-C-T. GRCh37 (hg19) VCF-style: chr16-136745-C-T.
Other names: c.1132G>A, p.Glu378Lys (NM_001039476.3); c.1435G>A, p.Glu479Lys (NM_001243247.2); c.1594G>A, p.Glu532Lys (NM_001243248.2, NM_001243249.2); short protein forms E557K, E378K, E479K, E532K.
Identifiers: ClinVar variation 853258 (VCV000853258.7), dbSNP rs764005661, ClinGen allele CA7769247.
Genomic context (GRCh38, chr16:86,746, plus strand): 5'-TTCCGCCCTCCGCCTGGGCTCAGGGGAGCAGAGCCTGGAAGACGGCAATGACAGGGTCCT[C>T]GTGGGTGGTCACCACCAGCACGCTGCGGAACTTGTCAAACAGCATGAGCAGCTGGGAGCG-3'
Protein context (NP_001070818.1, residues 547-567): FRSVLVVTTH[Glu557Lys]DPVIAVFQAL

ClinVar aggregate classification (germline): Uncertain significance. Review status: criteria provided, multiple submitters, no conflicts (2 of 4 stars). 2 submissions from 2 submitters: Uncertain significance (2). Last evaluated 2024-11-05.

Conditions:
Epilepsy, familial focal, with variable foci 3 (FFEVF3). Identifiers: MedGen C4310708, MONDO:0014925, OMIM 617118.

Allele frequency attached by ClinVar (database versions not stated): ExAC below 0.00001; gnomAD 0.00001; gnomAD exomes 0.00004; TOPMed 0.00004.
gnomAD v4.1: 15 of 1,578,532 alleles (0.00095%); highest among the groups gnomAD compares: Admixed American, 0.015%; no homozygotes.

Submissions (2):

Blueprint Genetics
Classification: Uncertain significance. Last evaluated: 2024-11-05. Review status: criteria provided, single submitter. Criteria: ACMG Guidelines, 2015. Collection method: clinical testing. Allele origin: germline.

Labcorp Genetics (formerly Invitae), Labcorp
Classification: Uncertain significance for Epilepsy, familial focal, with variable foci 3. Last evaluated: 2023-08-27. Review status: criteria provided, single submitter. Criteria: Invitae Variant Classification Sherloc (09022015). Collection method: clinical testing. Allele origin: germline.
Comment: In summary, the available evidence is currently insufficient to determine the role of this variant in disease. Therefore, it has been classified as a Variant of Uncertain Significance. This sequence change replaces glutamic acid, which is acidic and polar, with lysine, which is basic and polar, at codon 557 of the NPRL3 protein (p.Glu557Lys). This variant is present in population databases (rs764005661, gnomAD 0.02%). This variant has not been reported in the literature in individuals affected with NPRL3-related conditions. ClinVar contains an entry for this variant (Variation ID: 853258). Experimental studies and prediction algorithms are not available or were not evaluated, and the functional significance of this variant is currently unknown.